The following is an entry in ClinVar:

ClinVar aggregate classification (germline): Uncertain significance. Review status: criteria provided, multiple submitters, no conflicts (2 of 4 stars). 2 submissions from 2 submitters: Uncertain significance (2). Last evaluated 2022-07-19.

Conditions:
Nephronophthisis. Also called: Juvenile Nephronophthisis. Identifiers: Orphanet 655, MedGen C0687120, MONDO:0019005, HP:0000090.
Nephronophthisis 3 (NPHP3). Also called: Adolescent nephronophthisis. Identifiers: Orphanet 655, MedGen C1858392, MONDO:0011456, OMIM 604387.
NPHP3-related Meckel-like syndrome. Also called: Meckel syndrome type 7; GOLDSTON SYNDROME. Identifiers: Orphanet 3032, MedGen C2673885, MONDO:0009966, OMIM 267010.
Renal-hepatic-pancreatic dysplasia 1 (RHPD1). Identifiers: MedGen C3715199, MONDO:0008833, OMIM 208540.

Allele frequency attached by ClinVar (database versions not stated): gnomAD below 0.00001 and 0.00001; gnomAD exomes 0.00001.
gnomAD v4.1: 15 of 1,601,912 alleles (0.00094%); highest among the groups gnomAD compares: Middle Eastern, 0.033%; no homozygotes.

Submissions (2):

Labcorp Genetics (formerly Invitae), Labcorp
Classification: Uncertain significance for Nephronophthisis. Last evaluated: 2022-07-19. Review status: criteria provided, single submitter. Criteria: Invitae Variant Classification Sherloc (09022015). Collection method: clinical testing. Allele origin: germline.
Comment: This sequence change replaces tyrosine, which is neutral and polar, with histidine, which is basic and polar, at codon 509 of the NPHP3 protein (p.Tyr509His). This variant is not present in population databases (gnomAD no frequency). This variant has not been reported in the literature in individuals affected with NPHP3-related conditions. ClinVar contains an entry for this variant (Variation ID: 960492). Algorithms developed to predict the effect of missense changes on protein structure and function are either unavailable or do not agree on the potential impact of this missense change (SIFT: "Deleterious"; PolyPhen-2: "Benign"; Align-GVGD: "Class C0"). In summary, the available evidence is currently insufficient to determine the role of this variant in disease. Therefore, it has been classified as a Variant of Uncertain Significance.

Fulgent Genetics
Classification: Uncertain significance for Renal-hepatic-pancreatic dysplasia 1; NPHP3-related Meckel-like syndrome; Nephronophthisis 3. Last evaluated: 2022-02-09. Review status: criteria provided, single submitter. Criteria: ACMG Guidelines, 2015. Collection method: clinical testing. Allele origin: unknown.

NM_153240.5(NPHP3):c.1525T>C (p.Tyr509His)

Genes: NPHP3 (nephrocystin 3; minus strand), NPHP3-ACAD11 (NPHP3-ACAD11 readthrough (NMD candidate); minus strand). Cytogenetic location: 3q22.1.
Variant type: single nucleotide variant.
Coding change: c.1525T>C on transcript NM_153240.5 (MANE Select); coding-DNA position 1525, T replaced by C.
Protein change: p.Tyr509His; replaces tyrosine 509 with histidine.
Molecular consequence: missense variant. On other transcripts: non-coding transcript variant (1).
Genome position (GRCh38, 1-based): chr3:132,701,533, A>G on the plus strand (T>C on the coding strand, the complement: NPHP3 is on the minus strand). VCF-style: chr3-132701533-A-G. GRCh37 (hg19) VCF-style: chr3-132420377-A-G.
Other names: short protein forms Y509H.
Identifiers: ClinVar variation 960492 (VCV000960492.8), dbSNP rs1939605927, ClinGen allele CA354583639.